The following is an entry in ClinVar:

NM_138387.4(G6PC3):c.31A>G (p.Ile11Val)

Gene: G6PC3 (glucose-6-phosphatase catalytic subunit 3; plus strand). Cytogenetic location: 17q21.31.
Variant type: single nucleotide variant.
Coding change: c.31A>G on transcript NM_138387.4 (MANE Select); coding-DNA position 31, A replaced by G.
Protein change: p.Ile11Val; replaces isoleucine 11 with valine.
Molecular consequence: missense variant. On other transcripts: 5 prime UTR variant (3), intron variant (1).
Genome position (GRCh38, 1-based): chr17:44,070,996, A>G. VCF-style: chr17-44070996-A-G. GRCh37 (hg19) VCF-style: chr17-42148364-A-G.
Other names: c.31A>G, p.Ile11Val (NM_001319945.2); c.-374A>G (NM_001384165.1); c.-509A>G (NM_001384166.1); c.-499A>G (NM_001384167.1); c.-312+282A>G (NM_001384168.1); short protein forms I11V.
Identifiers: ClinVar variation 652746 (VCV000652746.9), dbSNP rs1597905158, ClinGen allele CA399745637.

ClinVar aggregate classification (germline): Uncertain significance. Review status: criteria provided, multiple submitters, no conflicts (2 of 4 stars). 2 submissions from 2 submitters: Uncertain significance (2). Last evaluated 2025-06-13.

Conditions:
Autosomal recessive severe congenital neutropenia due to G6PC3 deficiency. Also called: NEUTROPENIA, SEVERE CONGENITAL, 4, AUTOSOMAL RECESSIVE; G6PC3 Deficiency. Identifiers: Orphanet 331176, MedGen C2751630, MONDO:0012930, OMIM 612541.
Inborn genetic diseases. Identifiers: MedGen C0950123, MeSH D030342.

Allele frequency attached by ClinVar (database versions not stated): TOPMed below 0.00001.
gnomAD v4.1: 1 of 1,559,556 alleles (0.000064%); highest among the groups gnomAD compares: Non-Finnish European, 0.000087%; no homozygotes.

Submissions (2):

Ambry Genetics
Classification: Uncertain significance for Inborn genetic diseases. Last evaluated: 2025-06-13. Review status: criteria provided, single submitter. Criteria: Ambry Variant Classification Scheme 2023. Collection method: clinical testing. Allele origin: germline.
Comment: The p.I11V variant (also known as c.31A>G), located in coding exon 1 of the G6PC3 gene, results from an A to G substitution at nucleotide position 31. The isoleucine at codon 11 is replaced by valine, an amino acid with highly similar properties. This amino acid position is conserved. In addition, this alteration is predicted to be tolerated by in silico analysis. Based on the available evidence, the clinical significance of this variant remains unclear.

Labcorp Genetics (formerly Invitae), Labcorp
Classification: Uncertain significance for Autosomal recessive severe congenital neutropenia due to G6PC3 deficiency. Last evaluated: 2018-10-30. Review status: criteria provided, single submitter. Criteria: Invitae Variant Classification Sherloc (09022015). Collection method: clinical testing. Allele origin: germline.
Comment: This variant is not present in population databases (ExAC no frequency). This sequence change replaces isoleucine with valine at codon 11 of the G6PC3 protein (p.Ile11Val). The isoleucine residue is weakly conserved and there is a small physicochemical difference between isoleucine and valine. Algorithms developed to predict the effect of missense changes on protein structure and function output the following: SIFT: "Tolerated"; PolyPhen-2: "Benign"; Align-GVGD: "Class C0". The valine amino acid residue is found in multiple mammalian species, suggesting that this missense change does not adversely affect protein function. These predictions have not been confirmed by published functional studies and their clinical significance is uncertain. This variant has not been reported in the literature in individuals with G6PC3-related disease. In summary, the available evidence is currently insufficient to determine the role of this variant in disease. Therefore, it has been classified as a Variant of Uncertain Significance.